The following is an entry in ClinVar:

ClinVar aggregate classification (germline): Uncertain significance (1 of 4 stars; one submission).

Allele frequency attached by ClinVar (database versions not stated): ExAC 0.00004.
gnomAD v4.1: 14 of 1,593,040 alleles (0.00088%); highest among the groups gnomAD compares: Admixed American, 0.025%; no homozygotes.

Submission:

Labcorp Genetics (formerly Invitae), Labcorp
Classification: Uncertain significance. Last evaluated: 2022-03-10. Review status: criteria provided, single submitter. Criteria: Invitae Variant Classification Sherloc (09022015). Collection method: clinical testing. Allele origin: germline.
Comment: This sequence change replaces arginine, which is basic and polar, with glutamine, which is neutral and polar, at codon 200 of the FAM46A protein (p.Arg200Gln). This variant is present in population databases (rs768691613, gnomAD 0.04%). This variant has not been reported in the literature in individuals affected with FAM46A-related conditions. Algorithms developed to predict the effect of missense changes on protein structure and function are either unavailable or do not agree on the potential impact of this missense change (SIFT: "Deleterious"; PolyPhen-2: "Probably Damaging"; Align-GVGD: "Class C0"). In summary, the available evidence is currently insufficient to determine the role of this variant in disease. Therefore, it has been classified as a Variant of Uncertain Significance.

NM_017633.3(TENT5A):c.599G>A (p.Arg200Gln)

Gene: TENT5A (terminal nucleotidyltransferase 5A; minus strand). Cytogenetic location: 6q14.1.
Variant type: single nucleotide variant.
Coding change: c.599G>A on transcript NM_017633.3 (MANE Select); coding-DNA position 599, G replaced by A.
Protein change: p.Arg200Gln; replaces arginine 200 with glutamine.
Molecular consequence: missense variant.
Genome position (GRCh38, 1-based): chr6:81,750,425, C>T on the plus strand (G>A on the coding strand, the complement: TENT5A is on the minus strand). VCF-style: chr6-81750425-C-T. GRCh37 (hg19) VCF-style: chr6-82460142-C-T.
Other names: short protein forms R200Q.
Identifiers: ClinVar variation 2174054 (VCV002174054.1), dbSNP rs768691613, ClinGen allele CA3902974.